The following is an entry in ClinVar:

NM_004960.4(FUS):c.735_737dup (p.Gly247_Arg248insGly)

Gene: FUS (FUS RNA binding protein; plus strand). Cytogenetic location: 16p11.2.
Variant type: Duplication.
Coding change: c.735_737dup on transcript NM_004960.4 (MANE Select); coding-DNA positions 735 to 737, 3 bases duplicated (AGG; older notation c.735_737dupAGG).
Protein change: p.Gly247_Arg248insGly.
Molecular consequence: inframe insertion. On other transcripts: non-coding transcript variant (1).
Genome position (GRCh38, 1-based): chr16:31,185,150-31,185,152, AGG duplicated; duplicating any 3 consecutive bases within chr16:31,185,148-31,185,152 gives the same sequence; the c. name uses the placement nearest the transcript's 3' end. VCF-style (leftmost placement, unchanged base first): chr16-31185147-T-TGGA. GRCh37 (hg19) VCF-style: chr16-31196468-T-TGGA.
Other names: c.732_734dup, p.Gly246_Arg247insGly (NM_001170634.1); c.723_725dup, p.Gly243_Arg244insGly (NM_001170937.1); c.735_737dupAGG (NM_004960.3).
Identifiers: ClinVar variation 2061174 (VCV002061174.5), dbSNP rs779674301, ClinGen allele CA8023775.
Genomic context (GRCh38, chr16:31,185,147, plus strand): 5'-CGGCGGCGGCGGCGGTGGTGGTTACAACCGCAGCAGTGGTGGCTATGAACCCAGAGGTCG[T>TGGA]GGAGGTGGCCGTGGAGGCAGAGGTGGCATGGGGTAGGTGTCTCATGAGCCAGGGAGTATC-3'

ClinVar aggregate classification (germline): Uncertain significance. Review status: criteria provided, multiple submitters, no conflicts (2 of 4 stars). 3 submissions from 3 submitters: Uncertain significance (2). 1 of the submissions does not count toward it. Last evaluated 2024-10-12.

Conditions:
Amyotrophic lateral sclerosis type 6. Also called: FUS-Related Amyotrophic Laterial Sclerosis; AMYOTROPHIC LATERAL SCLEROSIS 6 WITHOUT FRONTOTEMPORAL DEMENTIA; Amyotrophic lateral sclerosis 6, with or without frontotemporal dementia. Identifiers: Orphanet 275872, Orphanet 803, MedGen C2931786, MONDO:0011951, OMIM 608030.
Tremor, hereditary essential, 4 (ETM4). Identifiers: MedGen C3539195, MONDO:0013888, OMIM 614782.
FUS-related disorder. Also called: FUS-related condition.

Submissions (3):

Labcorp Genetics (formerly Invitae), Labcorp
Classification: Uncertain significance for Tremor, hereditary essential, 4; Amyotrophic lateral sclerosis type 6. Last evaluated: 2024-10-12. Review status: criteria provided, single submitter. Criteria: Invitae Variant Classification Sherloc (09022015). Collection method: clinical testing. Allele origin: germline.
Comment: This variant, c.735_737dup, results in the insertion of 1 amino acid(s) of the FUS protein (p.Gly247dup), but otherwise preserves the integrity of the reading frame. This variant is present in population databases (rs779674301, gnomAD 0.02%), including at least one homozygous and/or hemizygous individual. This variant has not been reported in the literature in individuals affected with FUS-related conditions. ClinVar contains an entry for this variant (Variation ID: 2061174). Experimental studies and prediction algorithms are not available or were not evaluated, and the functional significance of this variant is currently unknown. In summary, the available evidence is currently insufficient to determine the role of this variant in disease. Therefore, it has been classified as a Variant of Uncertain Significance.

Blueprint Genetics
Classification: Uncertain significance. Last evaluated: 2024-09-06. Review status: criteria provided, single submitter. Criteria: ACMG Guidelines, 2015. Collection method: clinical testing. Allele origin: germline.

PreventionGenetics, part of Exact Sciences
Classification: Likely benign for FUS-related condition. Last evaluated: 2024-05-27. Review status: no assertion criteria provided. Collection method: clinical testing. Allele origin: germline. Not counted in ClinVar's aggregate classification.
Comment: This variant is classified as likely benign based on ACMG/AMP sequence variant interpretation guidelines (Richards et al. 2015 PMID: 25741868, with internal and published modifications).